The following is an entry in ClinVar:

NM_138961.3(ESAM):c.857+9C>T

Gene: ESAM (endothelial cell adhesion molecule; minus strand). Cytogenetic location: 11q24.2.
Variant type: single nucleotide variant.
Coding change: c.857+9C>T on transcript NM_138961.3 (MANE Select); 9 bases into the intron after coding-DNA position 857, C replaced by T.
Molecular consequence: intron variant.
Genome position (GRCh38, 1-based): chr11:124,754,205, G>A on the plus strand (C>T on the coding strand, the complement: ESAM is on the minus strand). VCF-style: chr11-124754205-G-A. GRCh37 (hg19) VCF-style: chr11-124624101-G-A.
Identifiers: ClinVar variation 4882626 (VCV004882626.2).

ClinVar aggregate classification (germline): Uncertain significance (1 of 4 stars; one submission).

gnomAD v4.1: 74 of 1,613,250 alleles (0.0046%); highest among the groups gnomAD compares: Admixed American, 0.043%; no homozygotes.

Submission:

Dasa
Classification: Uncertain significance. Last evaluated: 2026-01-26. Review status: criteria provided, single submitter. Criteria: DASA Assertion Criteria. Collection method: clinical testing. Allele origin: germline.
Comment: NM_138961.3(ESAM):c.857+9C>T is a splice-region variant. This variant is rare in population databases. Computational prediction algorithms are consistent with a benign effect. The currently available literature and clinical evidence are not sufficient to establish a definitive association between this variant and the reported condition. Therefore, this variant is classified as a variant of uncertain significance.